The following is an entry in ClinVar:

ClinVar aggregate classification (germline): Uncertain significance (1 of 4 stars; one submission).

Conditions:
Adenylosuccinate lyase deficiency (ADSLD). Also called: ADSL DEFICIENCY. Identifiers: Orphanet 46, MedGen C0268126, MONDO:0007068, OMIM 103050.

Allele frequency attached by ClinVar (database versions not stated): gnomAD exomes below 0.00001.

Submission:

Labcorp Genetics (formerly Invitae), Labcorp
Classification: Uncertain significance for Adenylosuccinate lyase deficiency. Last evaluated: 2022-08-16. Review status: criteria provided, single submitter. Criteria: Invitae Variant Classification Sherloc (09022015). Collection method: clinical testing. Allele origin: germline.
Comment: In summary, the available evidence is currently insufficient to determine the role of this variant in disease. Therefore, it has been classified as a Variant of Uncertain Significance. Experimental studies and prediction algorithms are not available or were not evaluated, and the functional significance of this variant is currently unknown. This variant has not been reported in the literature in individuals affected with ADSL-related conditions. This variant is not present in population databases (gnomAD no frequency). This variant occurs in a non-coding region of the ADSL gene. It does not change the encoded amino acid sequence of the ADSL protein.

NC_000022.11:g.40346473G>C

Gene: ADSL (adenylosuccinate lyase; plus strand). Cytogenetic location: 22q13.1.
Variant type: single nucleotide variant.
Genome position: GRCh38 VCF-style: chr22-40346473-G-C. GRCh37 (hg19) VCF-style: chr22-40742477-G-C.
Identifiers: ClinVar variation 2063820 (VCV002063820.5), dbSNP rs1474801240, ClinGen allele CA2577725864.